The following is an entry in ClinVar:

NM_004958.4(MTOR):c.2131G>C (p.Ala711Pro)

Gene: MTOR (mechanistic target of rapamycin kinase; minus strand). Cytogenetic location: 1p36.22.
Variant type: single nucleotide variant.
Coding change: c.2131G>C on transcript NM_004958.4 (MANE Select); coding-DNA position 2131, G replaced by C.
Protein change: p.Ala711Pro; replaces alanine 711 with proline.
Molecular consequence: missense variant.
Genome position (GRCh38, 1-based): chr1:11,237,920, C>G on the plus strand (G>C on the coding strand, the complement: MTOR is on the minus strand). VCF-style: chr1-11237920-C-G. GRCh37 (hg19) VCF-style: chr1-11297977-C-G.
Other names: c.2131G>C, p.Ala711Pro (NM_001386500.1); c.883G>C, p.Ala295Pro (NM_001386501.1); short protein forms A711P, A295P.
Identifiers: ClinVar variation 2748602 (VCV002748602.3), dbSNP rs2100898443, ClinGen allele CA338387434.

ClinVar aggregate classification (germline): Uncertain significance (1 of 4 stars; one submission).

Allele frequency attached by ClinVar (database versions not stated): gnomAD exomes below 0.00001.
gnomAD v4.1: 2 of 1,614,146 alleles (0.00012%); highest among the groups gnomAD compares: Non-Finnish European, 0.000085%; no homozygotes.

Submission:

Labcorp Genetics (formerly Invitae), Labcorp
Classification: Uncertain significance. Last evaluated: 2023-07-31. Review status: criteria provided, single submitter. Criteria: Invitae Variant Classification Sherloc (09022015). Collection method: clinical testing. Allele origin: germline.
Comment: Advanced modeling of protein sequence and biophysical properties (such as structural, functional, and spatial information, amino acid conservation, physicochemical variation, residue mobility, and thermodynamic stability) performed at Invitae indicates that this missense variant is not expected to disrupt MTOR protein function. This variant has not been reported in the literature in individuals affected with MTOR-related conditions. This variant is not present in population databases (gnomAD no frequency). This sequence change replaces alanine, which is neutral and non-polar, with proline, which is neutral and non-polar, at codon 711 of the MTOR protein (p.Ala711Pro). In summary, the available evidence is currently insufficient to determine the role of this variant in disease. Therefore, it has been classified as a Variant of Uncertain Significance.